The following is an entry in ClinVar:

NM_001011.4(RPS7):c.79C>T (p.Leu27Phe)

Gene: RPS7 (ribosomal protein S7; plus strand). Cytogenetic location: 2p25.3.
Variant type: single nucleotide variant.
Coding change: c.79C>T on transcript NM_001011.4 (MANE Select); coding-DNA position 79, C replaced by T.
Protein change: p.Leu27Phe; replaces leucine 27 with phenylalanine.
Molecular consequence: missense variant.
Genome position (GRCh38, 1-based): chr2:3,575,820, C>T. VCF-style: chr2-3575820-C-T. GRCh37 (hg19) VCF-style: chr2-3623410-C-T.
Other names: short protein forms L27F.
Identifiers: ClinVar variation 1383790 (VCV001383790.8), dbSNP rs758369264, ClinGen allele CA345742684.
Genomic context (GRCh38, chr2:3,575,820, plus strand): 5'-GGCCCGGGGTGCTCGGACGCGCGCTCAGGGTCGGTCCTGCTGTTCGTTGCTTCTTAGGCT[C>T]TTCTGGAGCTGGAGATGAACTCGGACCTCAAGGCTCAGCTCAGGGAGCTGAATATTACGG-3'
Protein context (NP_001002.1, residues 17-37): DEFESGISQA[Leu27Phe]LELEMNSDLK

ClinVar aggregate classification (germline): Uncertain significance (1 of 4 stars; one submission).

Conditions:
Diamond-Blackfan anemia 8 (DBA8). Also called: RPS7-Related Diamond-Blackfan Anemia. Identifiers: Orphanet 124, MedGen C2675511, MONDO:0012939, OMIM 612563.

gnomAD v4.1: 5 of 1,612,112 alleles (0.00031%); highest among the groups gnomAD compares: Middle Eastern, 0.02%; no homozygotes.

Submission:

Labcorp Genetics (formerly Invitae), Labcorp
Classification: Uncertain significance for Diamond-Blackfan anemia 8. Last evaluated: 2022-03-06. Review status: criteria provided, single submitter. Criteria: Invitae Variant Classification Sherloc (09022015). Collection method: clinical testing. Allele origin: germline.
Comment: This sequence change replaces leucine, which is neutral and non-polar, with phenylalanine, which is neutral and non-polar, at codon 27 of the RPS7 protein (p.Leu27Phe). This variant is not present in population databases (gnomAD no frequency). This variant has not been reported in the literature in individuals affected with RPS7-related conditions. Algorithms developed to predict the effect of missense changes on protein structure and function (SIFT, PolyPhen-2, Align-GVGD) all suggest that this variant is likely to be tolerated. In summary, the available evidence is currently insufficient to determine the role of this variant in disease. Therefore, it has been classified as a Variant of Uncertain Significance.